The following is an entry in ClinVar:

NM_012330.4(KAT6B):c.4312G>A (p.Glu1438Lys)

Gene: KAT6B (lysine acetyltransferase 6B; plus strand). Cytogenetic location: 10q22.2.
Variant type: single nucleotide variant.
Coding change: c.4312G>A on transcript NM_012330.4 (MANE Select); coding-DNA position 4312, G replaced by A.
Protein change: p.Glu1438Lys; replaces glutamic acid 1438 with lysine.
Molecular consequence: missense variant.
Genome position (GRCh38, 1-based): chr10:75,029,136, G>A. VCF-style: chr10-75029136-G-A. GRCh37 (hg19) VCF-style: chr10-76788894-G-A.
Other names: c.3763G>A, p.Glu1255Lys (NM_001256468.2, NM_001370138.1); c.3436G>A, p.Glu1146Lys (NM_001256469.2, NM_001370139.1, NM_001370140.1 and 2 more transcripts); c.3274G>A, p.Glu1092Lys (NM_001370132.1); c.2623G>A, p.Glu875Lys (NM_001370133.1); c.2227G>A, p.Glu743Lys (NM_001370134.1); c.1969G>A, p.Glu657Lys (NM_001370135.1); c.4312G>A, p.Glu1438Lys (NM_001370136.1, NM_001370137.1); c.3247G>A, p.Glu1083Lys (NM_001370143.1, NM_001370144.1); short protein forms E1438K, E657K, E743K, E875K, E1092K, E1255K, E1083K, E1146K.
Identifiers: ClinVar variation 513998 (VCV000513998.9), dbSNP rs377275320, ClinGen allele CA5565019.

ClinVar aggregate classification (germline): Benign/Likely benign. Review status: criteria provided, multiple submitters, no conflicts (2 of 4 stars). 2 submissions from 2 submitters: Benign (1); Likely benign (1). Last evaluated 2025-06-22.

Conditions:
Genitopatellar syndrome (GTPTS). Also called: Genitopatellar syndrome (GPS); ABSENT PATELLAE, SCROTAL HYPOPLASIA, RENAL ANOMALIES, FACIAL DYSMORPHISM, AND MENTAL RETARDATION. Identifiers: Orphanet 85201, MedGen C1853566, MONDO:0011640, OMIM 606170.

Allele frequency attached by ClinVar (database versions not stated): gnomAD 0.00004 and 0.00005; ExAC 0.00007; gnomAD exomes 0.00007 and 0.00011; ESP Exome Variant Server 0.00008; TOPMed 0.00008.
gnomAD v4.1: 172 of 1,614,028 alleles (0.011%); highest among the groups gnomAD compares: Non-Finnish European, 0.014%; no homozygotes.

Submissions (2):

Labcorp Genetics (formerly Invitae), Labcorp
Classification: Benign for Genitopatellar syndrome. Last evaluated: 2025-06-22. Review status: criteria provided, single submitter. Criteria: Invitae Variant Classification Sherloc (09022015). Collection method: clinical testing. Allele origin: germline.

GeneDx
Classification: Likely benign. Last evaluated: 2017-12-04. Review status: criteria provided, single submitter. Criteria: GeneDx Variant Classification (06012015). Collection method: clinical testing. Allele origin: germline. Affected: yes.
Comment: This variant is considered likely benign or benign based on one or more of the following criteria: it is a conservative change, it occurs at a poorly conserved position in the protein, it is predicted to be benign by multiple in silico algorithms, and/or has population frequency not consistent with disease.